The following is an entry in ClinVar:

ClinVar aggregate classification (germline): Uncertain significance (0 of 4 stars; one submission).

Conditions:
COL11A1-related disorder. Also called: COL11A1-related disorders; COL11A1-related condition.

Submission:

PreventionGenetics, part of Exact Sciences
Classification: Uncertain significance for COL11A1-related condition. Last evaluated: 2024-06-29. Review status: no assertion criteria provided. Collection method: clinical testing. Allele origin: germline.
Comment: The COL11A1 c.2911C>A variant is predicted to result in the amino acid substitution p.Pro971Thr. To our knowledge, this variant has not been reported in the literature or in a large population database, indicating this variant is rare. At this time, the clinical significance of this variant is uncertain due to the absence of conclusive functional and genetic evidence.

NM_001854.4(COL11A1):c.2911C>A (p.Pro971Thr)

Gene: COL11A1 (collagen type XI alpha 1 chain; minus strand). Cytogenetic location: 1p21.1.
Variant type: single nucleotide variant.
Coding change: c.2911C>A on transcript NM_001854.4 (MANE Select); coding-DNA position 2911, C replaced by A.
Protein change: p.Pro971Thr; replaces proline 971 with threonine.
Molecular consequence: missense variant. On other transcripts: non-coding transcript variant (1).
Genome position (GRCh38, 1-based): chr1:102,965,492, G>T on the plus strand (C>A on the coding strand, the complement: COL11A1 is on the minus strand). VCF-style: chr1-102965492-G-T. GRCh37 (hg19) VCF-style: chr1-103431048-G-T.
Other names: c.2794C>A, p.Pro932Thr (NM_001190709.2); c.2947C>A, p.Pro983Thr (NM_080629.3); c.2563C>A, p.Pro855Thr (NM_080630.4); short protein forms P855T, P932T, P971T, P983T.
Identifiers: ClinVar variation 3351374 (VCV003351374.1).